The following is an entry in ClinVar:

NM_000059.4(BRCA2):c.2817C>T (p.Thr939=)

Gene: BRCA2 (BRCA2 DNA repair associated; plus strand). Cytogenetic location: 13q13.1.
Variant type: single nucleotide variant.
Coding change: c.2817C>T on transcript NM_000059.4 (MANE Select); coding-DNA position 2817, C replaced by T.
Protein change: p.Thr939=; no amino-acid change (threonine 939 retained).
Molecular consequence: synonymous variant.
Genome position (GRCh38, 1-based): chr13:32,337,172, C>T. VCF-style: chr13-32337172-C-T. GRCh37 (hg19) VCF-style: chr13-32911309-C-T.
Identifiers: ClinVar variation 186294 (VCV000186294.75), dbSNP rs367921107, ClinGen allele CA016494.

ClinVar aggregate classification (germline): Likely benign. Review status: reviewed by expert panel (3 of 4 stars). 15 submissions from 15 submitters: Likely benign (1). 14 of the submissions do not count toward it. Last evaluated 2017-06-29.

Conditions:
BRCA2-related cancer predisposition. Identifiers: MedGen CN377758, MONDO:0700269.
BRCA2-related disorder. Also called: BRCA2-related condition; BRCA2-related disorders. Identifiers: MedGen CN239275.
Hereditary cancer-predisposing syndrome. Also called: Tumor predisposition; Neoplastic Syndromes, Hereditary; Hereditary Cancer Syndrome; Hereditary neoplastic syndrome. Identifiers: Orphanet 140162, MedGen C0027672, MeSH D009386, MONDO:0015356.
Hereditary breast ovarian cancer syndrome. Also called: Hereditary breast and ovarian cancer; Hereditary breast and ovarian cancer syndrome (HBOC); Breast and ovarian cancer; Hereditary breast and/or ovarian cancer syndrome; BRCA1- and BRCA2-Associated Hereditary Breast and Ovarian Cancer; Hereditary breast and ovarian cancer syndrome. Identifiers: Orphanet 145, MedGen C0677776, MeSH D061325, MONDO:0003582. Disease mechanism: loss of function.
Breast-ovarian cancer, familial, susceptibility to, 2 (BROVCA2). Also called: BRCA2 Hereditary Breast and Ovarian Cancer. Identifiers: Orphanet 145, MedGen C2675520, MONDO:0012933, OMIM 612555. Disease mechanism: loss of function.
Familial cancer of breast. Also called: hereditary breast carcinoma; BREAST CANCER, FAMILIAL; Hereditary breast cancer. Identifiers: Orphanet 227535, MedGen C0346153, MONDO:0016419, OMIM 114480. Disease mechanism: loss of function.
Malignant tumor of breast. Also called: Malignant breast neoplasm; Cancer breast. Identifiers: MedGen C0006142, MONDO:0007254. Disease mechanism: loss of function.

Allele frequency attached by ClinVar (database versions not stated): gnomAD 0.00001; gnomAD exomes 0.00003 and 0.00006; TOPMed 0.00003; ExAC 0.00007; ESP Exome Variant Server 0.00008.

Submissions (15):

Evidence-based Network for the Interpretation of Germline Mutant Alleles (ENIGMA)
Classification: Likely benign for Breast-ovarian cancer, familial, susceptibility to, 2. Last evaluated: 2017-06-29. Review status: reviewed by expert panel. Criteria: ENIGMA BRCA1/2 Classification Criteria (2017-06-29). Collection method: curation. Allele origin: germline.
Comment: Synonymous substitution variant, with low bioinformatic likelihood to result in a splicing aberration (Splicing prior probability 0.02).

Labcorp Genetics (formerly Invitae), Labcorp
Classification: Benign for Hereditary breast ovarian cancer syndrome. Last evaluated: 2026-02-04. Review status: criteria provided, single submitter. Criteria: Invitae Variant Classification Sherloc (09022015). Collection method: clinical testing. Allele origin: germline. Not counted in ClinVar's aggregate classification.

Quest Diagnostics Nichols Institute San Juan Capistrano
Classification: Likely benign. Last evaluated: 2025-10-17. Review status: criteria provided, single submitter. Criteria: Quest Diagnostics criteria. Collection method: clinical testing. Allele origin: unknown. Not counted in ClinVar's aggregate classification.

CeGaT Center for Human Genetics Tuebingen
Classification: Likely benign. Last evaluated: 2025-04-01. Review status: criteria provided, single submitter. Criteria: CeGaT Center For Human Genetics Tuebingen Variant Classification Criteria Version 2. Collection method: clinical testing. Allele origin: germline. Affected: yes. Observed: 3 variant alleles. Not counted in ClinVar's aggregate classification.
Comment: BRCA2: BP4, BP7

KCCC/NGS Laboratory, Kuwait Cancer Control Center
Classification: Benign for Familial cancer of breast. Last evaluated: 2025-02-01. Review status: criteria provided, single submitter. Criteria: ACMG Guidelines, 2015. Collection method: clinical testing. Allele origin: germline. Affected: no. Not counted in ClinVar's aggregate classification.

All of Us Research Program, National Institutes of Health
Classification: Benign for BRCA2-related cancer predisposition. Last evaluated: 2024-09-16. Review status: criteria provided, single submitter. Criteria: ACMG Guidelines, 2015. Collection method: clinical testing. Allele origin: germline. Inheritance: Autosomal dominant inheritance. Observed: 4 variant alleles, 4 heterozygotes. Not counted in ClinVar's aggregate classification.
Comment: This study involves interpretation of variants in research participants for the purpose of population health screening. Participant phenotype was not available at the time of variant classification. Additional details can be found in publication PMID: 35346344, PMCID: PMC8962531

Blueprint Genetics
Classification: Likely benign. Last evaluated: 2024-08-29. Review status: criteria provided, single submitter. Criteria: ACMG Guidelines, 2015. Collection method: clinical testing. Allele origin: germline. Not counted in ClinVar's aggregate classification.

ARUP Laboratories, Molecular Genetics and Genomics, ARUP Laboratories
Classification: Benign. Last evaluated: 2024-08-05. Review status: criteria provided, single submitter. Criteria: ARUP Molecular Germline Variant Investigation Process 2024. Collection method: clinical testing. Allele origin: germline. Not counted in ClinVar's aggregate classification.

Sema4
Classification: Likely benign for Hereditary cancer-predisposing syndrome. Last evaluated: 2021-08-23. Review status: criteria provided, single submitter. Criteria: Sema4 Curation Guidelines. Collection method: curation. Allele origin: germline. Not counted in ClinVar's aggregate classification.

Women's Health and Genetics/Laboratory Corporation of America, LabCorp
Classification: Likely benign. Last evaluated: 2021-07-23. Review status: criteria provided, single submitter. Criteria: LabCorp Variant Classification Summary - May 2015. Collection method: clinical testing. Allele origin: germline. Not counted in ClinVar's aggregate classification.

Color Diagnostics, LLC DBA Color Health
Classification: Benign for Hereditary cancer-predisposing syndrome. Last evaluated: 2016-07-04. Review status: criteria provided, single submitter. Criteria: ACMG Guidelines, 2015. Collection method: clinical testing. Allele origin: germline. Not counted in ClinVar's aggregate classification.

GeneDx
Classification: Benign. Last evaluated: 2015-07-06. Review status: criteria provided, single submitter. Criteria: GeneDx Variant Classification (06012015). Collection method: clinical testing. Allele origin: germline. Affected: yes. Not counted in ClinVar's aggregate classification.
Comment: This variant is considered likely benign or benign based on one or more of the following criteria: it is a conservative change, it occurs at a poorly conserved position in the protein, it is predicted to be benign by multiple in silico algorithms, and/or has population frequency not consistent with disease.

Ambry Genetics
Classification: Likely benign for Hereditary cancer-predisposing syndrome. Last evaluated: 2014-09-08. Review status: criteria provided, single submitter. Criteria: Ambry Variant Classification Scheme 2023. Collection method: clinical testing. Allele origin: germline. Not counted in ClinVar's aggregate classification.

PreventionGenetics, part of Exact Sciences
Classification: Likely benign for BRCA2-related condition. Last evaluated: 2020-12-28. Review status: no assertion criteria provided. Collection method: clinical testing. Allele origin: germline. Not counted in ClinVar's aggregate classification.
Comment: This variant is classified as likely benign based on ACMG/AMP sequence variant interpretation guidelines (Richards et al. 2015 PMID: 25741868, with internal and published modifications).

Department of Pathology and Laboratory Medicine, Sinai Health System
Classification: Likely benign for Malignant tumor of breast. Review status: no assertion criteria provided. Collection method: clinical testing. Allele origin: unknown. Affected: yes. Study: The Canadian Open Genetics Repository (COGR). Not counted in ClinVar's aggregate classification.
Comment: The BRCA2 p.Thr939= variant was identified in 1 of 3050 proband chromosomes (frequency: 0.0003) from individuals or families with breast cancer (Caux-Moncoutier 2011). The variant was also identified in dbSNP (ID: rs367921107) as With Likely benign allele, ClinVar (classified as benign by GeneDx; classified as likely benign by ENIGMA, Ambry Genetics, Invitae), Clinvitae, LOVD 3.0 (2X), UMD-LSDB (13X as unclassified variant), databases. The variant was not identified in BIC Database, ARUP Laboratories, Zhejiang Colon Cancer Database, databases. The variant was identified in control databases in 13 of 245704 chromosomes at a frequency of 0.000053 (Genome Aggregation Consortium Feb 27, 2017). The p.Thr939= variant is not expected to have clinical significance because it does not result in a change of amino acid and is not located in a known consensus splice site. In addition, the variant was identified with a co-occurring pathogenic BRCA2 variant (c.8488-1G>A), increasing the likelihood that the c.2817C>T variant does not have clinical significance (Santos 2014). In summary, based on the above information, the clinical significance of this variant cannot be determined with certainty at this time although we would lean towards a more benign role for this variant. This variant is classified as likely benign.

Literature cited by the submitters: PubMed 24607278 (cited by 3 submitters); PubMed 21120943 (cited by Quest Diagnostics Nichols Institute San Juan Capistrano and Women's Health and Genetics/Laboratory Corporation of America, LabCorp); PubMed 23929434 (cited by Women's Health and Genetics/Laboratory Corporation of America, LabCorp).